The following is an entry in ClinVar:

NM_014976.2(PDCD11):c.2400G>A (p.Ser800=)

Gene: PDCD11 (programmed cell death 11; plus strand). Cytogenetic location: 10q24.33.
Variant type: single nucleotide variant.
Coding change: c.2400G>A on transcript NM_014976.2 (MANE Select); coding-DNA position 2400, G replaced by A.
Protein change: p.Ser800=; no amino-acid change (serine 800 retained).
Molecular consequence: synonymous variant.
Genome position (GRCh38, 1-based): chr10:103,421,470, G>A. VCF-style: chr10-103421470-G-A. GRCh37 (hg19) VCF-style: chr10-105181227-G-A.
Other names: c.2400G>A, p.Ser800= (NM_001411058.1).
Identifiers: ClinVar variation 2640805 (VCV002640805.24), dbSNP rs752195699, ClinGen allele CA5673228.
Genomic context (GRCh38, chr10:103,421,470, plus strand): 5'-GGCAAAGGTGACCAATGTGGATGAGGAGAAGCAGCGGATGCTGCTGTCACTGCGGCTGTC[G>A]GACTGTGGTCTGGGGGACTTGGCTATCACCAGCCTCCTCCTCCTGAATCAGTGCCTGGAG-3'
Protein context (NP_055791.1, residues 790-810): KQRMLLSLRL[Ser800=]DCGLGDLAIT

ClinVar aggregate classification (germline): Likely benign (1 of 4 stars; one submission).

Allele frequency attached by ClinVar (database versions not stated): gnomAD 0.00001; gnomAD exomes 0.00002; TOPMed 0.00003; ExAC 0.00007.
gnomAD v4.1: 31 of 1,601,314 alleles (0.0019%); highest among the groups gnomAD compares: Middle Eastern, 0.016%; no homozygotes.

Submission:

CeGaT Center for Human Genetics Tuebingen
Classification: Likely benign. Last evaluated: 2022-03-01. Review status: criteria provided, single submitter. Criteria: CeGaT Center For Human Genetics Tuebingen Variant Classification Criteria Version 2. Collection method: clinical testing. Allele origin: germline. Affected: yes. Observed: 1 variant allele.
Comment: PDCD11: BP4, BP7